The following is an entry in ClinVar:

ClinVar aggregate classification (germline): Likely pathogenic (1 of 4 stars; one submission).

Conditions:
Dilated cardiomyopathy 1G (CMD1G). Identifiers: Orphanet 154, MedGen C1858763, MONDO:0011400, OMIM 604145.
Autosomal recessive limb-girdle muscular dystrophy type 2J (LGMDR10). Also called: Limb-girdle muscular dystrophy, type 2J; MUSCULAR DYSTROPHY, LIMB-GIRDLE, AUTOSOMAL RECESSIVE 10. Identifiers: Orphanet 140922, MedGen C1837342, MONDO:0012127, OMIM 608807.

Submission:

Labcorp Genetics (formerly Invitae), Labcorp
Classification: Likely pathogenic for Dilated cardiomyopathy 1G; Autosomal recessive limb-girdle muscular dystrophy type 2J. Last evaluated: 2024-10-18. Review status: criteria provided, single submitter. Criteria: Invitae Variant Classification Sherloc (09022015). Collection method: clinical testing. Allele origin: germline.
Comment: This sequence change creates a premature translational stop signal (p.Thr4446Leufs*6) in the TTN gene. While this is not anticipated to result in nonsense mediated decay, it is expected to create a truncated TTN protein. This variant is not present in population databases (gnomAD no frequency). This variant has not been reported in the literature in individuals affected with TTN-related conditions. This variant is located in the I band of TTN (PMID: 25589632). Truncating variants in this region have been reported in individuals affected with autosomal recessive centronuclear myopathy (PMID: 23975875, internal data). Truncating variants in this region have also been identified in individuals affected with autosomal dominant dilated cardiomyopathy and/or cardio-related conditions (PMID: 27869827, 32964742, internal data). In summary, the currently available evidence indicates that the variant is pathogenic, but additional data are needed to prove that conclusively. Therefore, this variant has been classified as Likely Pathogenic.

Literature cited by the submitters: PubMed 25589632; PubMed 23975875; PubMed 27869827; PubMed 32964742.

NM_001267550.2(TTN):c.13335del (p.Thr4446fs)

Gene: TTN (titin; minus strand). Cytogenetic location: 2q31.2.
Variant type: Deletion.
Coding change: c.13335del on transcript NM_001267550.2 (MANE Select); coding-DNA position 13335, one base deleted (T; older notation c.13335delT).
Protein change: p.Thr4446fs; shifts the reading frame from threonine 4446.
Molecular consequence: frameshift variant. On other transcripts: intron variant (1).
Genome position (GRCh38, 1-based): chr2:178,739,898, A deleted on the plus strand (T on the coding strand, the reverse complement: TTN is on the minus strand); the first of 2 consecutive A bases (chr2:178,739,898-178,739,899); deleting either gives the same sequence. VCF-style (leftmost placement, unchanged base first): chr2-178739897-TA-T. GRCh37 (hg19) VCF-style: chr2-179604624-TA-T.
Other names: c.12384del, p.Thr4129fs (NM_001256850.1); c.12246del, p.Thr4083fs (NM_003319.4); c.12621del, p.Thr4208fs (NM_133432.3); c.12822del, p.Thr4275fs (NM_133437.4); c.10361-1538del (NM_133378.4); short protein forms T4129fs, T4083fs, T4208fs, T4275fs, T4446fs.
Identifiers: ClinVar variation 2941592 (VCV002941592.3), dbSNP rs2530629378, ClinGen allele CA2740096272.